The following is an entry in ClinVar:

NM_002474.3(MYH11):c.3434G>C (p.Gly1145Ala)

Gene: MYH11 (myosin heavy chain 11; minus strand). Cytogenetic location: 16p13.11.
Variant type: single nucleotide variant.
Coding change: c.3434G>C on transcript NM_002474.3 (MANE Select); coding-DNA position 3434, G replaced by C.
Protein change: p.Gly1145Ala; replaces glycine 1145 with alanine.
Molecular consequence: missense variant.
Genome position (GRCh38, 1-based): chr16:15,735,438, C>G on the plus strand (G>C on the coding strand, the complement: MYH11 is on the minus strand). VCF-style: chr16-15735438-C-G. GRCh37 (hg19) VCF-style: chr16-15829295-C-G.
Other names: c.3455G>C, p.Gly1152Ala (NM_001040113.2, NM_001040114.2); c.3434G>C, p.Gly1145Ala (NM_022844.3); short protein forms G1145A, G1152A.
Identifiers: ClinVar variation 3070296 (VCV003070296.1), dbSNP rs2506177008, ClinGen allele CA394861879.

ClinVar aggregate classification (germline): Uncertain significance (1 of 4 stars; one submission).

Conditions:
Familial thoracic aortic aneurysm and aortic dissection (TAAD). Also called: Thoracic aortic aneurysms and dissections. Identifiers: Orphanet 91387, MedGen C4707243, MONDO:0019625.

Submission:

All of Us Research Program, National Institutes of Health
Classification: Uncertain significance for Familial thoracic aortic aneurysm and aortic dissection. Last evaluated: 2023-04-03. Review status: criteria provided, single submitter. Criteria: ACMG Guidelines, 2015. Collection method: clinical testing. Allele origin: germline. Inheritance: Autosomal dominant inheritance. Observed: 1 variant allele, 1 heterozygote.
Comment: This missense variant replaces glycine with alanine at codon 1152 of the MYH11 protein. Computational prediction suggests that this variant may not impact protein structure and function (internally defined REVEL score threshold <= 0.5, PMID: 27666373). To our knowledge, functional studies have not been reported for this variant. This variant has not been reported in individuals affected with MYH11-related disorders in the literature. This variant has not been identified in the general population by the Genome Aggregation Database (gnomAD). The available evidence is insufficient to determine the role of this variant in disease conclusively. Therefore, this variant is classified as a Variant of Uncertain Significance.

This study involves interpretation of variants in research participants for the purpose of population health screening. Participant phenotype was not available at the time of variant classification. Additional details can be found in publication PMID: 35346344, PMCID: PMC8962531